The following is an entry in ClinVar:

NM_002968.3(SALL1):c.1257G>T (p.Leu419Phe)

Gene: SALL1 (spalt like transcription factor 1; minus strand). Cytogenetic location: 16q12.1.
Variant type: single nucleotide variant.
Coding change: c.1257G>T on transcript NM_002968.3 (MANE Select); coding-DNA position 1257, G replaced by T.
Protein change: p.Leu419Phe; replaces leucine 419 with phenylalanine.
Molecular consequence: missense variant.
Genome position (GRCh38, 1-based): chr16:51,140,965, C>A on the plus strand (G>T on the coding strand, the complement: SALL1 is on the minus strand). VCF-style: chr16-51140965-C-A. GRCh37 (hg19) VCF-style: chr16-51174876-C-A.
Other names: c.966G>T, p.Leu322Phe (NM_001127892.2); short protein forms L322F, L419F.
Identifiers: ClinVar variation 2372864 (VCV002372864.20), dbSNP rs367642766, ClinGen allele CA8053304.
Genomic context (GRCh38, chr16:51,140,965, plus strand): 5'-TTTCGCTTCAAAGGCAGTGACATTTGGTGGCTTGCTTTTTCTTTGCTGGGCCAAGGCAGA[C>A]AAGGAGTTTAAATCCTCTGCAGTTGTTCCGATGTTGGGCAAAGGGCTGGGGAAAACCGAG-3'
Protein context (NP_002959.2, residues 409-429): IGTTAEDLNS[Leu419Phe]SALAQQRKSK

ClinVar aggregate classification (germline): Conflicting classifications of pathogenicity. Review status: criteria provided, conflicting classifications (1 of 4 stars). 3 submissions from 3 submitters: Uncertain significance (2); Likely benign (1). Last evaluated 2025-08-11.

Conditions:
Inborn genetic diseases. Identifiers: MedGen C0950123, MeSH D030342.

Allele frequency attached by ClinVar (database versions not stated): gnomAD 0.00006; TOPMed 0.00006; ESP Exome Variant Server 0.00008.
gnomAD v4.1: 62 of 1,614,106 alleles (0.0038%); highest among the groups gnomAD compares: Non-Finnish European, 0.0051%; no homozygotes.

Submissions (3):

Ambry Genetics
Classification: Uncertain significance for Inborn genetic diseases. Last evaluated: 2025-08-11. Review status: criteria provided, single submitter. Criteria: Ambry Variant Classification Scheme 2023. Collection method: clinical testing. Allele origin: germline.

CeGaT Center for Human Genetics Tuebingen
Classification: Likely benign. Last evaluated: 2024-08-01. Review status: criteria provided, single submitter. Criteria: CeGaT Center For Human Genetics Tuebingen Variant Classification Criteria Version 2. Collection method: clinical testing. Allele origin: germline. Affected: yes. Observed: 1 variant allele.
Comment: SALL1: BP4

GeneDx
Classification: Uncertain significance. Last evaluated: 2024-03-15. Review status: criteria provided, single submitter. Criteria: GeneDx Variant Classification Process June 2021. Collection method: clinical testing. Allele origin: germline. Affected: yes.
Comment: In silico analysis supports that this missense variant has a deleterious effect on protein structure/function; Has not been previously published as pathogenic or benign to our knowledge